The following is an entry in ClinVar:

ClinVar aggregate classification (germline): Likely pathogenic (0 of 4 stars; one submission).

Conditions:
Pyruvate dehydrogenase E1-alpha deficiency (PDHAD). Also called: ATAXIA, INTERMITTENT, WITH PYRUVATE DEHYDROGENASE DEFICIENCY; ATAXIA WITH LACTIC ACIDOSIS I; ATAXIA, INTERMITTENT, WITH ABNORMAL PYRUVATE METABOLISM; Ataxia, intermittent, with pyruvate dehydrogenase, or decarboxylase, deficiency. Identifiers: Orphanet 79243, MedGen C1839413, MONDO:0010717, OMIM 312170.

gnomAD v4.1: 1 of 1,190,969 alleles (0.000084%); highest among the groups gnomAD compares: Non-Finnish European, 0.00011%; no homozygotes.

Submission:

PDHA1 Study Group, University Children’s Hospital, Paracelsus Medical University
Classification: Likely pathogenic for Pyruvate dehydrogenase E1-alpha deficiency. Last evaluated: 2024-10-15. Review status: no assertion criteria provided. Collection method: research. Allele origin: de novo. Affected: yes. Observed: 2 variant alleles.
Comment: The NM_000284.3:c.924G>T (p.Gln308His) substitution is a missense variant in PDHA1 gene. In total, 2 individuals were diagnosed with PDHA1-related Pyruvate dehydrogenase complex (PDHc) deficiency (MIM #312170). Among them, 1 case had confirmed de novo occurrence. The variant has been reported in 1 published case (PMIDs: 25356417). Last literature search: July 12, 2024. This variant is absent or extremely rare in population-based cohorts in the Genome Aggregation Database (gnomAD). Individuals harboring this variant presented with clinical features compatible with PDHA1-related PDHc deficiency. In summary, this variant meets criteria to be classified as likely pathogenic (LP) for PDHA1-related PDHc deficiency based on the ACMG/AMP criteria applied: PS3, PM2, PM7, PP3 (last assessment October 15, 2024).

Literature cited by the submitters: PubMed 25356417; DOI 10.1093/brain/awaf430.

NM_000284.4(PDHA1):c.924G>T (p.Gln308His)

Gene: PDHA1 (pyruvate dehydrogenase E1 subunit alpha 1; plus strand). Cytogenetic location: Xp22.12.
Variant type: single nucleotide variant.
Coding change: c.924G>T on transcript NM_000284.4 (MANE Select); coding-DNA position 924, G replaced by T.
Protein change: p.Gln308His; replaces glutamine 308 with histidine.
Molecular consequence: missense variant.
Genome position (GRCh38, 1-based): chrX:19,358,940, G>T. VCF-style: chrX-19358940-G-T. GRCh37 (hg19) VCF-style: chrX-19377058-G-T.
Other names: c.1038G>T, p.Gln346His (NM_001173454.2); c.945G>T, p.Gln315His (NM_001173455.2); c.831G>T, p.Gln277His (NM_001173456.2); short protein forms Q277H, Q308H, Q315H, Q346H.
Identifiers: ClinVar variation 4070514 (VCV004070514.1).